The following is an entry in ClinVar:

NM_000400.4(ERCC2):c.341A>G (p.Asn114Ser)

Gene: ERCC2 (ERCC excision repair 2, TFIIH core complex helicase subunit; minus strand). Cytogenetic location: 19q13.32.
Variant type: single nucleotide variant.
Coding change: c.341A>G on transcript NM_000400.4 (MANE Select); coding-DNA position 341, A replaced by G.
Protein change: p.Asn114Ser; replaces asparagine 114 with serine.
Molecular consequence: missense variant.
Genome position (GRCh38, 1-based): chr19:45,368,649, T>C on the plus strand (A>G on the coding strand, the complement: ERCC2 is on the minus strand). VCF-style: chr19-45368649-T-C. GRCh37 (hg19) VCF-style: chr19-45871907-T-C.
Other names: c.269A>G, p.Asn90Ser (NM_001130867.2); short protein forms N90S, N114S.
Identifiers: ClinVar variation 3509876 (VCV003509876.1).
Genomic context (GRCh38, chr19:45,368,649, plus strand): 5'-TACCTCTGGGCTAAGGGCAAGGAGAAGGAACAGGTGCTCACCTCAGGGTGAATACACAAG[T>C]TTTTGCGGGAGCTCAGAGCCAGTCCCAGAAACGGCAGCTTCTCGCCCTCCTGCTTCTCAT-3'
Protein context (NP_000391.1, residues 104-124): FLGLALSSRK[Asn114Ser]LCIHPEVTPL

ClinVar aggregate classification (germline): Uncertain significance (1 of 4 stars; one submission).

Conditions:
Inborn genetic diseases. Identifiers: MedGen C0950123, MeSH D030342.

gnomAD v4.1: 1 of 1,613,044 alleles (0.000062%); highest among the groups gnomAD compares: Non-Finnish European, 0.000085%; no homozygotes.

Submission:

Ambry Genetics
Classification: Uncertain significance for Inborn genetic diseases. Last evaluated: 2024-09-30. Review status: criteria provided, single submitter. Criteria: Ambry Variant Classification Scheme 2023. Collection method: clinical testing. Allele origin: germline.
Comment: The p.N114S variant (also known as c.341A>G), located in coding exon 5 of the ERCC2 gene, results from an A to G substitution at nucleotide position 341. The asparagine at codon 114 is replaced by serine, an amino acid with highly similar properties. This amino acid position is conserved. In addition, the in silico prediction for this alteration is inconclusive. Based on the available evidence, the clinical significance of this variant remains unclear.